The following is an entry in ClinVar:

NM_033026.6(PCLO):c.7202T>C (p.Ile2401Thr)

Gene: PCLO (piccolo presynaptic cytomatrix protein; minus strand). Cytogenetic location: 7q21.11.
Variant type: single nucleotide variant.
Coding change: c.7202T>C on transcript NM_033026.6 (MANE Select); coding-DNA position 7202, T replaced by C.
Protein change: p.Ile2401Thr; replaces isoleucine 2401 with threonine.
Molecular consequence: missense variant.
Genome position (GRCh38, 1-based): chr7:82,953,751, A>G on the plus strand (T>C on the coding strand, the complement: PCLO is on the minus strand). VCF-style: chr7-82953751-A-G. GRCh37 (hg19) VCF-style: chr7-82583067-A-G.
Other names: c.7202T>C, p.Ile2401Thr (NM_014510.3); short protein forms I2401T.
Identifiers: ClinVar variation 1399755 (VCV001399755.8), dbSNP rs1380462277, ClinGen allele CA367917473.

ClinVar aggregate classification (germline): Uncertain significance (1 of 4 stars; one submission).

gnomAD v4.1: 1 of 1,545,890 alleles (0.000065%); highest among the groups gnomAD compares: African/African-American, 0.0014%; no homozygotes.

Submission:

Labcorp Genetics (formerly Invitae), Labcorp
Classification: Uncertain significance. Last evaluated: 2023-11-27. Review status: criteria provided, single submitter. Criteria: Invitae Variant Classification Sherloc (09022015). Collection method: clinical testing. Allele origin: germline.
Comment: This sequence change replaces isoleucine, which is neutral and non-polar, with threonine, which is neutral and polar, at codon 2401 of the PCLO protein (p.Ile2401Thr). This variant is not present in population databases (gnomAD no frequency). This variant has not been reported in the literature in individuals affected with PCLO-related conditions. ClinVar contains an entry for this variant (Variation ID: 1399755). Algorithms developed to predict the effect of missense changes on protein structure and function output the following: SIFT: "Not Available"; PolyPhen-2: "Not Available"; Align-GVGD: "Not Available". The threonine amino acid residue is found in multiple mammalian species, which suggests that this missense change does not adversely affect protein function. In summary, the available evidence is currently insufficient to determine the role of this variant in disease. Therefore, it has been classified as a Variant of Uncertain Significance.